The following is an entry in ClinVar:

NM_000138.5(FBN1):c.4252G>T (p.Gly1418Cys)

Genes: FBN1 (fibrillin 1; minus strand), LOC126862124 (CDK7 strongly-dependent group 2 enhancer GRCh37_chr15:48764566-48765765; plus strand). Cytogenetic location: 15q21.1.
Variant type: single nucleotide variant.
Coding change: c.4252G>T on transcript NM_000138.5 (MANE Select); coding-DNA position 4252, G replaced by T.
Protein change: p.Gly1418Cys; replaces glycine 1418 with cysteine.
Molecular consequence: missense variant.
Genome position (GRCh38, 1-based): chr15:48,472,635, C>A on the plus strand (G>T on the coding strand, the complement: FBN1 is on the minus strand). VCF-style: chr15-48472635-C-A. GRCh37 (hg19) VCF-style: chr15-48764832-C-A.
Other names: short protein forms G1418C.
Identifiers: ClinVar variation 418196 (VCV000418196.2), dbSNP rs1064793114, ClinGen allele CA16619956.

ClinVar aggregate classification (germline): Likely pathogenic (1 of 4 stars; one submission).

Submission:

GeneDx
Classification: Likely pathogenic. Last evaluated: 2014-11-17. Review status: criteria provided, single submitter. Criteria: GeneDx Variant Classification (06012015). Collection method: clinical testing. Allele origin: germline. Affected: yes.
Comment: A novel G1418C variant that is likely pathogenic was identified in the FBN1 gene. It has not been published as a pathogenic variant, nor has it been reported as a benign polymorphism to our knowledge. The G1418C variant was not observed in approximately 6,500 individuals of European and African American ancestry in an external variant database, indicating it is not a common benign variant in these populations. The G1418C variant is a non-conservative amino acid substitution, which is likely to impact secondary protein structure as these residues differ in polarity, charge, size and/or other properties. This substitution occurs at a position that is conserved within the EGF-like domain 24. In silico analysis predicts this variant is probably damaging to the protein structure/function. Furthermore, missense mutations in nearby residues (C1408R, C1420F, C1420W, C1421F, P1424A) have been reported in the Human Gene Mutation Database in association with Marfan syndrome (Stenson et al., 2014), supporting the functional importance of this region of the protein. Therefore, this is a strong candidate for a pathogenic variant, however the possibility that it is a benign variant cannot be excluded.